The following continues an entry in ClinVar:

NM_000159.4(GCDH):c.877G>A (p.Ala293Thr)

Gene: GCDH. ClinVar aggregate classification (germline): Pathogenic. Pathogenic (18).

Submissions 14 to 22 of 22:

Women's Health and Genetics/Laboratory Corporation of America, LabCorp
Classification: Pathogenic for Glutaric aciduria, type 1. Last evaluated: 2017-05-26. Review status: criteria provided, single submitter. Criteria: LabCorp Variant Classification Summary - May 2015. Collection method: clinical testing. Allele origin: germline.
Comment: Variant summary: The GCDH c.877G>A (p.Ala293Thr) variant involves the alteration of a conserved nucleotide, resulting in a missense substitution in the Acyl-CoA dehydrogenase/oxidase C-terminal domain (InterPro). 4/4 in silico tools predict a damaging outcome for this variant (SNPsandGO not captured due to low reliability index). This variant was found in the large control database ExAC and cohorts reported in the literature at a frequency of 0.0002717 (33/121474 control chromosomes), which does not exceed the estimated maximal expected allele frequency of a pathogenic GCDH variant (0.0035355). In the literature, the variant has been identified in numerous patients with glutaric acidemia type 1 in a homozygous and compound heterozygous state (van der Watt_MGM_2010; Christensen_JIMD_2004). Each of these studies also performed GCDH enzyme activity assays, which showed that the variant is a functional null allele, resulting in undetectable or very low activity (van der Watt_MGM_2010; Christensen_JIMD_2004). In addition, multiple clinical diagnostic laboratories/reputable databases classified this variant as pathogenic. Taken together, this variant is classified as pathogenic.

Eurofins Ntd Llc (ga)
Classification: Pathogenic. Last evaluated: 2014-01-17. Review status: criteria provided, single submitter. Criteria: EGL Classification Definitions. Collection method: clinical testing. Allele origin: germline. Observed: 4 variant alleles, 4 heterozygotes.

Clinical Genetics Service, Universitary Hospital 12 de Octubre
Classification: Pathogenic for Glutaric aciduria, type 1. Review status: criteria provided, single submitter. Criteria: ACMG Guidelines, 2015. Collection method: clinical testing. Allele origin: germline. Affected: yes.

Juno Genomics, Hangzhou Juno Genomics, Inc
Classification: Pathogenic for Glutaric aciduria, type 1. Review status: criteria provided, single submitter. Criteria: ACMG Guidelines, 2015. Collection method: clinical testing. Allele origin: germline.
Comment: Absent from controls (or at extremely low frequency if recessive) in Genome Aggregation Database.;Well-established in vitro or in vivo functional studies supportive of a damaging effect on the gene or gene product.;For recessive disorders, detected in trans with a pathogenic variant.;Patient's phenotype or family history is highly specific for a disease with a single genetic etiology.

Pathology and Clinical Laboratory Medicine, King Fahad Medical City
Classification: Pathogenic for Glutaric aciduria, type 1. Review status: criteria provided, single submitter. Criteria: ACMG Guidelines, 2015. Collection method: clinical testing. Allele origin: germline. Affected: yes. Observed: 4 variant alleles.

Counsyl
Classification: Pathogenic for Glutaric aciduria, type 1. Last evaluated: 2019-05-07. Review status: no assertion criteria provided. Collection method: clinical testing. Allele origin: unknown. Not counted in ClinVar's aggregate classification.

OMIM
Classification: Pathogenic for GLUTARIC ACIDEMIA I. Last evaluated: 1996-11-01. Review status: no assertion criteria provided. Collection method: literature only. Allele origin: germline. Not counted in ClinVar's aggregate classification.

GeneReviews
No classification provided. Condition: Glutaric aciduria, type 1. Review status: no classification provided. Collection method: literature only. Allele origin: germline. Not counted in ClinVar's aggregate classification.
Comment: Founder variant in South African Xhosa peoples

Neonatal Disease Screening Center, Medical Genetics Center, Huaihua City Maternal and Child Health Care Hospital
Classification: Pathogenic for Glutaric aciduria, type 1. Review status: no assertion criteria provided. Criteria: ACMG Guidelines, 2015. Collection method: clinical testing. Allele origin: germline. Affected: yes. Observed: 1 variant allele. Not counted in ClinVar's aggregate classification.
Comment: PS3+PS4+PM3+PP3+PP4

Literature cited by the submitters: PubMed 8900227 (cited by 5 submitters); PubMed 8900228 (cited by 4 submitters); PubMed 10960496 (cited by 4 submitters); PubMed 12199454 (cited by Labcorp Genetics (formerly Invitae), Labcorp); PubMed 15573311 (cited by Labcorp Genetics (formerly Invitae), Labcorp); PubMed 22728054 (cited by Natera, Inc.); PubMed 15505393 (cited by 3 submitters); PubMed 20629163 (cited by Illumina Laboratory Services, Illumina); PubMed 16641220 (cited by Illumina Laboratory Services, Illumina); PubMed 20732827 (cited by 3 submitters); PubMed 9711871 (cited by Counsyl); PubMed 17188916 (cited by Counsyl); PubMed 19433437 (cited by Counsyl); PubMed 31536184 (cited by GeneReviews).